The following is an entry in ClinVar:

ClinVar aggregate classification (germline): Uncertain significance. Review status: criteria provided, multiple submitters, no conflicts (2 of 4 stars). 2 submissions from 2 submitters: Uncertain significance (2). Last evaluated 2022-04-25.

Conditions:
RYR1-related disorder. Also called: RYR1-related condition; RYR1-related disorders. Identifiers: MedGen CN239331.

Submissions (2):

GeneDx
Classification: Uncertain significance. Last evaluated: 2022-04-25. Review status: criteria provided, single submitter. Criteria: GeneDx Variant Classification Process June 2021. Collection method: clinical testing. Allele origin: germline. Affected: yes.
Comment: Not observed at significant frequency in large population cohorts (gnomAD); In silico analysis supports that this missense variant has a deleterious effect on protein structure/function; Has not been previously published as pathogenic or benign to our knowledge

Labcorp Genetics (formerly Invitae), Labcorp
Classification: Uncertain significance for RYR1-related disorder. Last evaluated: 2022-03-03. Review status: criteria provided, single submitter. Criteria: Invitae Variant Classification Sherloc (09022015). Collection method: clinical testing. Allele origin: germline.
Comment: This variant has not been reported in the literature in individuals affected with RYR1-related conditions. In summary, the available evidence is currently insufficient to determine the role of this variant in disease. Therefore, it has been classified as a Variant of Uncertain Significance. Advanced modeling of protein sequence and biophysical properties (such as structural, functional, and spatial information, amino acid conservation, physicochemical variation, residue mobility, and thermodynamic stability) performed at Invitae indicates that this missense variant is expected to disrupt RYR1 protein function. This variant is not present in population databases (gnomAD no frequency). This sequence change replaces valine, which is neutral and non-polar, with glutamic acid, which is acidic and polar, at codon 3858 of the RYR1 protein (p.Val3858Glu).

NM_000540.3(RYR1):c.11573T>A (p.Val3858Glu)

Gene: RYR1 (ryanodine receptor 1; plus strand). Cytogenetic location: 19q13.2.
Variant type: single nucleotide variant.
Coding change: c.11573T>A on transcript NM_000540.3 (MANE Select); coding-DNA position 11573, T replaced by A.
Protein change: p.Val3858Glu; replaces valine 3858 with glutamic acid.
Molecular consequence: missense variant.
Genome position (GRCh38, 1-based): chr19:38,536,053, T>A. VCF-style: chr19-38536053-T-A. GRCh37 (hg19) VCF-style: chr19-39026693-T-A.
Other names: c.11558T>A, p.Val3853Glu (NM_001042723.2); short protein forms V3853E, V3858E.
Identifiers: ClinVar variation 1363241 (VCV001363241.9), dbSNP rs959531046, ClinGen allele CA308086278.
Genomic context (GRCh38, chr19:38,536,053, plus strand): 5'-TCAGCGTCCTGGATCTCAATGCCTTTGAGAGACAGAACAAGGCCGAGGGGCTGGGCATGG[T>A]GAATGAGGATGGCACTGGTGAGGCCCTCCCTTGGGCTTCCCACCCCCTGAGACATCTTCC-3'
Protein context (NP_000531.2, residues 3848-3868): RQNKAEGLGM[Val3858Glu]NEDGTVINRQ